The following is an entry in ClinVar:

NM_000181.4(GUSB):c.970G>A (p.Val324Met)

Gene: GUSB (glucuronidase beta; minus strand). Cytogenetic location: 7q11.21.
Variant type: single nucleotide variant.
Coding change: c.970G>A on transcript NM_000181.4 (MANE Select); coding-DNA position 970, G replaced by A.
Protein change: p.Val324Met; replaces valine 324 with methionine.
Molecular consequence: missense variant. On other transcripts: non-coding transcript variant (1).
Genome position (GRCh38, 1-based): chr7:65,975,014, C>T on the plus strand (G>A on the coding strand, the complement: GUSB is on the minus strand). VCF-style: chr7-65975014-C-T. GRCh37 (hg19) VCF-style: chr7-65440001-C-T.
Other names: c.532G>A, p.Val178Met (NM_001284290.2); c.400G>A, p.Val134Met (NM_001293104.2); c.313G>A, p.Val105Met (NM_001293105.2); short protein forms V178M, V324M, V105M, V134M.
Identifiers: ClinVar variation 2107301 (VCV002107301.4), dbSNP rs1791473593, ClinGen allele CA367644966.

ClinVar aggregate classification (germline): Uncertain significance (1 of 4 stars; one submission).

Conditions:
Mucopolysaccharidosis type 7 (MPS7). Also called: GUSB DEFICIENCY; BETA-GLUCURONIDASE DEFICIENCY; SLY SYNDROME; MPS VII. Identifiers: Orphanet 584, MedGen C0085132, MONDO:0009662, OMIM 253220.

Allele frequency attached by ClinVar (database versions not stated): gnomAD 0.00001.

Submission:

Labcorp Genetics (formerly Invitae), Labcorp
Classification: Uncertain significance for Mucopolysaccharidosis type 7. Last evaluated: 2022-03-06. Review status: criteria provided, single submitter. Criteria: Invitae Variant Classification Sherloc (09022015). Collection method: clinical testing. Allele origin: germline.
Comment: In summary, the available evidence is currently insufficient to determine the role of this variant in disease. Therefore, it has been classified as a Variant of Uncertain Significance. Algorithms developed to predict the effect of missense changes on protein structure and function are either unavailable or do not agree on the potential impact of this missense change (SIFT: "Deleterious"; PolyPhen-2: "Probably Damaging"; Align-GVGD: "Class C0"). This variant has not been reported in the literature in individuals affected with GUSB-related conditions. This variant is not present in population databases (gnomAD no frequency). This sequence change replaces valine, which is neutral and non-polar, with methionine, which is neutral and non-polar, at codon 324 of the GUSB protein (p.Val324Met).